The following is an entry in ClinVar:

NM_018319.4(TDP1):c.1312T>A (p.Tyr438Asn)

Gene: TDP1 (tyrosyl-DNA phosphodiesterase 1; plus strand). Cytogenetic location: 14q32.11.
Variant type: single nucleotide variant.
Coding change: c.1312T>A on transcript NM_018319.4 (MANE Select); coding-DNA position 1312, T replaced by A.
Protein change: p.Tyr438Asn; replaces tyrosine 438 with asparagine.
Molecular consequence: missense variant.
Genome position (GRCh38, 1-based): chr14:89,989,085, T>A. VCF-style: chr14-89989085-T-A. GRCh37 (hg19) VCF-style: chr14-90455429-T-A.
Other names: c.1312T>A, p.Tyr438Asn (NM_001008744.2, NM_001330205.2); short protein forms Y438N.
Identifiers: ClinVar variation 448653 (VCV000448653.5), dbSNP rs182086916, ClinGen allele CA264591924.

ClinVar aggregate classification (germline): Uncertain significance. Review status: criteria provided, multiple submitters, no conflicts (2 of 4 stars). 3 submissions from 3 submitters: Uncertain significance (3). Last evaluated 2025-05-19.

Allele frequency attached by ClinVar (database versions not stated): TOPMed 0.00018; 1000 Genomes Project 0.00020; gnomAD 0.00007; 1000 Genomes Project 30x 0.00016.
gnomAD v4.1: 26 of 1,613,798 alleles (0.0016%); highest among the groups gnomAD compares: Admixed American, 0.03%; no homozygotes.

Submissions (3):

GeneDx
Classification: Uncertain significance. Last evaluated: 2025-05-19. Review status: criteria provided, single submitter. Criteria: GeneDx Variant Classification Process June 2021. Collection method: clinical testing. Allele origin: germline. Affected: yes.
Comment: Not observed at significant frequency in large population cohorts (gnomAD); In silico analysis suggests that this missense variant does not alter protein structure/function; Has not been previously published as pathogenic or benign to our knowledge

Athena Diagnostics
Classification: Uncertain significance. Last evaluated: 2025-04-15. Review status: criteria provided, single submitter. Criteria: Athena Diagnostics Criteria. Collection method: clinical testing. Allele origin: unknown.
Comment: Available data are insufficient to determine the clinical significance of the variant at this time. The frequency of this variant in the general population is uninformative in assessment of its pathogenicity. Polyphen and MutationTaster predict this amino acid change may be benign.

Ambry Genetics
Classification: Uncertain significance. Last evaluated: 2023-11-14. Review status: criteria provided, single submitter. Criteria: Ambry Variant Classification Scheme 2023. Collection method: clinical testing. Allele origin: germline.